The following is an entry in ClinVar:

NM_001374736.1(DST):c.14439A>G (p.Ile4813Met)

Gene: DST (dystonin; minus strand). Cytogenetic location: 6p12.1.
Variant type: single nucleotide variant.
Coding change: c.14439A>G on transcript NM_001374736.1 (MANE Select); coding-DNA position 14439, A replaced by G.
Protein change: p.Ile4813Met; replaces isoleucine 4813 with methionine.
Molecular consequence: missense variant.
Genome position (GRCh38, 1-based): chr6:56,560,295, T>C on the plus strand (A>G on the coding strand, the complement: DST is on the minus strand). VCF-style: chr6-56560295-T-C. GRCh37 (hg19) VCF-style: chr6-56425093-T-C.
Other names: c.8082A>G, p.Ile2694Met (NM_001144769.5); c.7668A>G, p.Ile2556Met (NM_001144770.2); c.14439A>G, p.Ile4813Met (NM_001374722.1); c.13806A>G, p.Ile4602Met (NM_001374729.1); c.7548A>G, p.Ile2516Met (NM_001374730.1, NM_001386100.1, NM_183380.4); c.14466A>G, p.Ile4822Met (NM_001374734.1); c.6570A>G, p.Ile2190Met (NM_015548.5); short protein forms I2190M, I2516M, I2556M, I2694M, I4602M, I4813M, I4822M.
Identifiers: ClinVar variation 660062 (VCV000660062.4), dbSNP rs373340565, ClinGen allele CA3868026.

ClinVar aggregate classification (germline): Uncertain significance (1 of 4 stars; one submission).

Conditions:
Epidermolysis bullosa simplex 3, localized or generalized intermediate, with BP230 deficiency (EBS3). Also called: Epidermolysis bullosa simplex due to BP230 deficiency; Epidermolysis bullosa simplex, autosomal recessive 2. Identifiers: Orphanet 412181, MedGen C3809470, MONDO:0014180, OMIM 615425.
Hereditary sensory and autonomic neuropathy type 6. Also called: HSAN VI; Neuropathy, hereditary sensory and autonomic, type VI. Identifiers: Orphanet 314381, MedGen C3539003, MONDO:0013839, OMIM 614653.

Allele frequency attached by ClinVar (database versions not stated): gnomAD 0.00002; gnomAD exomes 0.00002 and 0.00003; TOPMed 0.00002; ExAC 0.00003; ESP Exome Variant Server 0.00017.
gnomAD v4.1: 50 of 1,605,538 alleles (0.0031%); highest among the groups gnomAD compares: Non-Finnish European, 0.0037%; no homozygotes.

Submission:

Labcorp Genetics (formerly Invitae), Labcorp
Classification: Uncertain significance for Epidermolysis bullosa simplex 3, localized or generalized intermediate, with BP230 deficiency; Hereditary sensory and autonomic neuropathy type 6. Last evaluated: 2022-03-20. Review status: criteria provided, single submitter. Criteria: Invitae Variant Classification Sherloc (09022015). Collection method: clinical testing. Allele origin: germline.
Comment: The DST gene has multiple clinically relevant transcripts. This variant occurs in alternate transcript NM_015548.4, and corresponds to NM_001723.5:c.*55222A>G in the primary transcript. This sequence change replaces isoleucine, which is neutral and non-polar, with methionine, which is neutral and non-polar, at codon 2190 of the DST protein (p.Ile2190Met). This variant is present in population databases (rs373340565, gnomAD 0.007%). This variant has not been reported in the literature in individuals affected with DST-related conditions. Experimental studies and prediction algorithms are not available or were not evaluated, and the functional significance of this variant is currently unknown. In summary, the available evidence is currently insufficient to determine the role of this variant in disease. Therefore, it has been classified as a Variant of Uncertain Significance.